The following is an entry in ClinVar:

NM_001170629.2(CHD8):c.3580C>T (p.Arg1194Cys)

Gene: CHD8 (chromodomain helicase DNA binding protein 8; minus strand). Cytogenetic location: 14q11.2.
Variant type: single nucleotide variant.
Coding change: c.3580C>T on transcript NM_001170629.2 (MANE Select); coding-DNA position 3580, C replaced by T.
Protein change: p.Arg1194Cys; replaces arginine 1194 with cysteine.
Molecular consequence: missense variant.
Genome position (GRCh38, 1-based): chr14:21,403,151, G>A on the plus strand (C>T on the coding strand, the complement: CHD8 is on the minus strand). VCF-style: chr14-21403151-G-A. GRCh37 (hg19) VCF-style: chr14-21871310-G-A.
Other names: c.2743C>T, p.Arg915Cys (NM_020920.4); short protein forms R1194C, R915C.
Identifiers: ClinVar variation 2603710 (VCV002603710.2), dbSNP rs1888106378, ClinGen allele CA388900122.
Genomic context (GRCh38, chr14:21,403,151, plus strand): 5'-GTCCACCAGCCCGGGTACACAGTAAGAAGACAAAGCGGTCTGAGTCAGGCTTGCTGAAGC[G>A]GTCAATGGCAGCCTGTCGAAGGTTGCCTCTAACTCGCCCATCAATACGTTCATATAAGTA-3'
Protein context (NP_001164100.1, residues 1184-1204): RGNLRQAAID[Arg1194Cys]FSKPDSDRFV

ClinVar aggregate classification (germline): Uncertain significance (1 of 4 stars; one submission).

Conditions:
Inborn genetic diseases. Identifiers: MedGen C0950123, MeSH D030342.

Allele frequency attached by ClinVar (database versions not stated): gnomAD exomes below 0.00001.
gnomAD v4.1: 1 of 1,613,974 alleles (0.000062%); highest among the groups gnomAD compares: Non-Finnish European, 0.000085%; no homozygotes.

Submission:

Ambry Genetics
Classification: Uncertain significance for Inborn genetic diseases. Last evaluated: 2023-06-22. Review status: criteria provided, single submitter. Criteria: Ambry Variant Classification Scheme 2023. Collection method: clinical testing. Allele origin: germline.
Comment: The c.3580C>T (p.R1194C) alteration is located in exon 17 (coding exon 17) of the CHD8 gene. This alteration results from a C to T substitution at nucleotide position 3580, causing the arginine (R) at amino acid position 1194 to be replaced by a cysteine (C). This variant was not reported in population-based cohorts in the Genome Aggregation Database (gnomAD). This amino acid position is highly conserved in available vertebrate species. This alteration is predicted to be deleterious by in silico analysis. This missense alteration is located in a region that has a low rate of benign missense variation (Lek, 2016; Firth, 2009). Based on insufficient or conflicting evidence, the clinical significance of this alteration remains unclear.